The following is an entry in ClinVar:

NM_020163.3(SEMA3G):c.1776C>T (p.Tyr592=)

Gene: SEMA3G (semaphorin 3G; minus strand). Cytogenetic location: 3p21.1.
Variant type: single nucleotide variant.
Coding change: c.1776C>T on transcript NM_020163.3 (MANE Select); coding-DNA position 1776, C replaced by T.
Protein change: p.Tyr592=; no amino-acid change (tyrosine 592 retained).
Molecular consequence: synonymous variant.
Genome position (GRCh38, 1-based): chr3:52,437,629, G>A on the plus strand (C>T on the coding strand, the complement: SEMA3G is on the minus strand). VCF-style: chr3-52437629-G-A. GRCh37 (hg19) VCF-style: chr3-52471645-G-A.
Identifiers: ClinVar variation 3031166 (VCV003031166.2), dbSNP rs757976273, ClinGen allele CA2437821.

ClinVar aggregate classification (germline): Likely benign (0 of 4 stars; one submission).

Conditions:
SEMA3G-related disorder. Also called: SEMA3G-related condition.

Allele frequency attached by ClinVar (database versions not stated): gnomAD 0.00003; TOPMed 0.00003; ExAC 0.00005.
gnomAD v4.1: 66 of 1,612,610 alleles (0.0041%); highest among the groups gnomAD compares: South Asian, 0.0099%; no homozygotes.

Submission:

PreventionGenetics, part of Exact Sciences
Classification: Likely benign for SEMA3G-related condition. Last evaluated: 2022-12-01. Review status: no assertion criteria provided. Collection method: clinical testing. Allele origin: germline.
Comment: This variant is classified as likely benign based on ACMG/AMP sequence variant interpretation guidelines (Richards et al. 2015 PMID: 25741868, with internal and published modifications).